The following is an entry in ClinVar:

NM_000500.9(CYP21A2):c.332_339del (p.Gly111fs)

Genes: CYP21A2 (cytochrome P450 family 21 subfamily A member 2; plus strand), LOC106780800 (CYP21A2 recombination region; plus strand). Cytogenetic location: 6p21.33.
Variant type: Deletion.
Coding change: c.332_339del on transcript NM_000500.9 (MANE Select); coding-DNA positions 332 to 339, 8 bases deleted (GAGACTAC; older notation c.332_339delGAGACTAC).
Protein change: p.Gly111fs; shifts the reading frame from glycine 111.
Molecular consequence: frameshift variant. On other transcripts: 5 prime UTR variant (2).
Genome position (GRCh38, 1-based): chr6:32,039,133-32,039,140, GAGACTAC deleted. VCF-style (leftmost placement, unchanged base first): chr6-32039132-GGAGACTAC-G. GRCh37 (hg19) VCF-style: chr6-32006909-GGAGACTAC-G.
Other names: 707-714delGAGACTAC; c.332_339delGAGACTAC (NM_000500.7, NM_000500.9); c.242_249del, p.Gly81fs (NM_001128590.4); c.-74_-67del (NM_001368143.2, NM_001368144.2); short protein forms G81fs, G111fs.
Identifiers: ClinVar variation 12164 (VCV000012164.29), dbSNP rs387906510, ClinGen allele CA341188.

ClinVar aggregate classification (germline): Pathogenic. Review status: criteria provided, multiple submitters, no conflicts (2 of 4 stars). 15 submissions from 15 submitters: Pathogenic (13). 2 of the submissions do not count toward it. Last evaluated 2026-01-21.

Conditions:
CYP21A2-related disorder. Also called: CYP21A2-related condition.
21-Hydroxylase-Deficient Congenital Adrenal Hyperplasia. Also called: ADRENAL HYPERPLASIA III; ADRENAL HYPERPLASIA, CONGENITAL, DUE TO 21-HYDROXYLASE DEFICIENCY. Identifiers: MedGen C2936858, OMIM 201910.

Submissions (15):

Labcorp Genetics (formerly Invitae), Labcorp
Classification: Pathogenic. Last evaluated: 2026-01-21. Review status: criteria provided, single submitter. Criteria: Invitae Variant Classification Sherloc (09022015). Collection method: clinical testing. Allele origin: germline.
Comment: This sequence change creates a premature translational stop signal (p.Gly111Valfs*21) in the CYP21A2 gene. It is expected to result in an absent or disrupted protein product. Loss-of-function variants in CYP21A2 are known to be pathogenic (PMID: 10857554). The frequency data for this variant in the population databases (gnomAD) is considered unreliable due to the presence of homologous sequence, such as pseudogenes or paralogs, in the genome. This premature translational stop signal has been observed in individual(s) with classic salt-wasting, simple virilizing, and non-classic congenital adrenal hyperplasia due to 21-hydroxylase deficiency (PMID: 7749410, 8081391, 23359698, 25227725, 26804566). This variant is also known as 706del8, 707_714del8, E3del8bp, c.711_718delGAGACTAC. ClinVar contains an entry for this variant (Variation ID: 12164). For these reasons, this variant has been classified as Pathogenic.

Athena Diagnostics
Classification: Pathogenic. Last evaluated: 2025-10-14. Review status: criteria provided, single submitter. Criteria: Athena Diagnostics Criteria. Collection method: clinical testing. Allele origin: unknown.
Comment: This variant is expected to result in the loss of a functional protein. This variant is located in a genomic region of low or unreliable sequencing quality, and therefore estimations of its population frequency are uninformative in assessment of variant pathogenicity. In multiple individuals, this variant has been seen in trans with other recessive pathogenic variants in CYP21A2, suggesting this variant is also pathogenic. In some published literature, this variant is referred to as c.329_336del, g.707_714del, p.Gly110fs, or as the 8 bp deletion in exon 3.

Quest Diagnostics Nichols Institute San Juan Capistrano
Classification: Pathogenic. Last evaluated: 2025-10-14. Review status: criteria provided, single submitter. Criteria: Quest Diagnostics criteria. Collection method: clinical testing. Allele origin: unknown.
Comment: The CYP21A2 c.332_339del (p.Gly111Valfs*21) variant (also known as c.332_339del8 (G110del8nt)) alters the translational reading frame of the CYP21A2 mRNA and causes the premature termination of CYP21A2 protein synthesis. In the published literature, this variant has been reported to be associated with salt wasting CAH (PMIDs: 2827462 (1988), 23359698 (2013), and 25227725 (2014)). Based on the available information, this variant is classified as pathogenic.

Bioscientia Institut fuer Medizinische Diagnostik GmbH, Sonic Healthcare
Classification: Pathogenic for 21-Hydroxylase-Deficient Congenital Adrenal Hyperplasia. Last evaluated: 2025-03-07. Review status: criteria provided, single submitter. Criteria: ACMG Guidelines, 2015. Collection method: clinical testing. Allele origin: germline. Affected: yes.

Genomic Medicine Center of Excellence, King Faisal Specialist Hospital and Research Centre
Classification: Pathogenic for 21-Hydroxylase-Deficient Congenital Adrenal Hyperplasia. Last evaluated: 2024-12-10. Review status: criteria provided, single submitter. Criteria: ACMG Guidelines, 2015. Collection method: clinical testing. Allele origin: germline.
Comment: PVS1, PM2, PP5

Blueprint Genetics
Classification: Pathogenic for CYP21A2-related disorders. Last evaluated: 2024-10-24. Review status: criteria provided, single submitter. Criteria: ACMG Guidelines, 2015. Collection method: clinical testing. Allele origin: germline. Affected: yes. Observed: 5 variant alleles.

Revvity Omics, Revvity
Classification: Pathogenic. Last evaluated: 2023-09-13. Review status: criteria provided, single submitter. Criteria: ACMG Guidelines, 2015. Collection method: clinical testing. Allele origin: germline.

Victorian Clinical Genetics Services, Murdoch Childrens Research Institute
Classification: Pathogenic for 21-Hydroxylase-Deficient Congenital Adrenal Hyperplasia. Last evaluated: 2023-07-16. Review status: criteria provided, single submitter. Criteria: ACMG Guidelines, 2015. Collection method: clinical testing. Allele origin: germline. Inheritance: Autosomal recessive inheritance. Affected: no.
Comment: Based on the classification scheme VCGS_Germline_v1.3.4, this variant is classified as Pathogenic. Following criteria are met: 0102 - Loss of function is a known mechanism of disease in this gene and is associated with congenital adrenal hyperplasia due to 21-hydroxylase deficiency (MIM#201910) and hyperandrogenism nonclassic type due to 21-hydroxylase deficiency (MIM#201910). (I) 0106 - This gene is associated with autosomal recessive disease. (I) 0201 - Variant is predicted to cause nonsense-mediated decay (NMD) and loss of protein (premature termination codon is located at least 54 nucleotides upstream of the final exon-exon junction). (SP) 0251 - This variant is heterozygous (according to Fulgent Genetics report). (I) 0304 - Variant is present in gnomAD <0.01 for a recessive condition (v3: 16 heterozygotes, 0 homozygotes). However, please note this variant has failed a filter used for quality control in gnomAD v3. (SP) 0701 - Other variants predicted to result in NMD comparable to the one identified in this case have very strong previous evidence for pathogenicity (DECIPHER). (SP) 0801 - This variant has very strong previous evidence of pathogenicity in unrelated individuals. It has been detected in multiple compound heterozygous patients (ClinVar, PMIDs: 35079965, 26804566). (SP) 1208 - Inheritance information for this variant is not currently available in this individual. (I) Legend: (SP) - Supporting pathogenic, (I) - Information, (SB) - Supporting benign

Greenwood Genetic Center Diagnostic Laboratories, Greenwood Genetic Center
Classification: Pathogenic for 21-Hydroxylase-Deficient Congenital Adrenal Hyperplasia. Last evaluated: 2023-05-19. Review status: criteria provided, single submitter. Criteria: ACMG Guidelines, 2015. Collection method: clinical testing. Allele origin: germline. Affected: yes.
Comment: PVS1, PS3

Women's Health and Genetics/Laboratory Corporation of America, LabCorp
Classification: Pathogenic for 21-Hydroxylase-Deficient Congenital Adrenal Hyperplasia. Last evaluated: 2023-02-20. Review status: criteria provided, single submitter. Criteria: LabCorp Variant Classification Summary - May 2015. Collection method: clinical testing. Allele origin: germline.
Comment: Variant summary: CYP21A2 c.332_339delGAGACTAC (p.Gly111ValfsX21) results in a premature termination codon, predicted to cause a truncation of the encoded protein or absence of the protein due to nonsense mediated decay, which are commonly known mechanisms for disease. Truncations downstream of this position have been classified as pathogenic by our laboratory. The variant was absent in 246380 control chromosomes (gnomAD). c.332_339delGAGACTAC has been reported in the literature in multiple compound heterozygous and homozygous individuals affected with Congenital Adrenal Hyperplasia (Wilson_2007, Milacic_2015). These data indicate that the variant is very likely to be associated with disease. Functional studies report experimental evidence evaluating an impact on protein function and results in null activity based on in vitro studies. Five ClinVar submitters (evaluation after 2014) cite this variant as pathogenic. Based on the evidence outlined above, the variant was classified as pathogenic.

Newborn Screening Ontario, Children's Hospital of Eastern Ontario (CHEO)
Classification: Pathogenic for 21-Hydroxylase-Deficient Congenital Adrenal Hyperplasia. Last evaluated: 2022-06-01. Review status: criteria provided, single submitter. Criteria: ACMG Guidelines, 2015. Collection method: clinical testing. Allele origin: germline. Inheritance: Autosomal recessive inheritance.

Myriad Genetics, Inc.
Classification: Pathogenic for 21-Hydroxylase-Deficient Congenital Adrenal Hyperplasia. Last evaluated: 2019-12-17. Review status: criteria provided, single submitter. Criteria: Myriad Women's Health Autosomal Recessive and X-Linked Classification Criteria (2019). Collection method: clinical testing. Allele origin: unknown.
Comment: NM_000500.7(CYP21A2):c.332_339del8(G111Vfs*21) is classified as pathogenic in the context of congenital adrenal hyperplasia, CYP21A2-related and is associated with classic disease. Sources cited for classification include the following: PMID 25227725, 8081391, 23359698, 25121463 and 12788880 . Classification of NM_000500.7(CYP21A2):c.332_339del8(G111Vfs*21) is based on the following criteria: The variant causes a premature termination codon that is expected to be targeted by nonsense-mediated mRNA decay and is reported in individuals with the relevant phenotype. Please note: this variant was assessed in the context of healthy population screening.

Juno Genomics, Hangzhou Juno Genomics, Inc
Classification: Pathogenic for 21-Hydroxylase-Deficient Congenital Adrenal Hyperplasia. Review status: criteria provided, single submitter. Criteria: ACMG Guidelines, 2015. Collection method: clinical testing. Allele origin: germline. Affected: yes.
Comment: Absent from controls (or at extremely low frequency if recessive) in Genome Aggregation Database, Exome Sequencing Project, 1000 Genomes Project, or Exome Aggregation Consortium.;For recessive disorders, detected in trans with a pathogenic variant.;Null variant in a gene where loss of function (LOF) is a known mechanism of disease.

GeneReviews
Classification: Pathogenic for 21-Hydroxylase-Deficient Congenital Adrenal Hyperplasia. Last evaluated: 2013-08-29. Review status: no assertion criteria provided. Collection method: curation. Allele origin: unknown. Not counted in ClinVar's aggregate classification.
ClinVar note: Converted during submission from pathologic to Pathogenic.

OMIM
Classification: Pathogenic for ADRENAL HYPERPLASIA, CONGENITAL, DUE TO 21-HYDROXYLASE DEFICIENCY, SALT-WASTING TYPE. Last evaluated: 2003-06-01. Review status: no assertion criteria provided. Collection method: literature only. Allele origin: germline. Not counted in ClinVar's aggregate classification.

Literature cited by the submitters: PubMed 10857554 (cited by Labcorp Genetics (formerly Invitae), Labcorp); PubMed 7749410 (cited by Labcorp Genetics (formerly Invitae), Labcorp); PubMed 8081391 (cited by 3 submitters); PubMed 23359698 (cited by 4 submitters); PubMed 25227725 (cited by 4 submitters); PubMed 26804566 (cited by 4 submitters); PubMed 12788880 (cited by 4 submitters); PubMed 31446012 (cited by Athena Diagnostics and Quest Diagnostics Nichols Institute San Juan Capistrano); PubMed 31586465 (cited by Athena Diagnostics and Quest Diagnostics Nichols Institute San Juan Capistrano); PubMed 30995443 (cited by Athena Diagnostics and Quest Diagnostics Nichols Institute San Juan Capistrano); PubMed 20970527 (cited by Athena Diagnostics and Quest Diagnostics Nichols Institute San Juan Capistrano); PubMed 25121463 (cited by 3 submitters); PubMed 25538881 (cited by Athena Diagnostics and Quest Diagnostics Nichols Institute San Juan Capistrano); PubMed 25481255 (cited by Athena Diagnostics and Quest Diagnostics Nichols Institute San Juan Capistrano); PubMed 2827462 (cited by Athena Diagnostics and Quest Diagnostics Nichols Institute San Juan Capistrano); PubMed 40640193 (cited by Athena Diagnostics and Quest Diagnostics Nichols Institute San Juan Capistrano); PubMed 39810276 (cited by Athena Diagnostics and Quest Diagnostics Nichols Institute San Juan Capistrano); PubMed 39451515 (cited by Athena Diagnostics and Quest Diagnostics Nichols Institute San Juan Capistrano); PubMed 35079965 (cited by Victorian Clinical Genetics Services, Murdoch Childrens Research Institute); PubMed 17275379 (cited by Women's Health and Genetics/Laboratory Corporation of America, LabCorp); PubMed 3260033 (cited by OMIM).